The following is an entry in ClinVar:

ClinVar aggregate classification (germline): Uncertain significance. Review status: criteria provided, multiple submitters, no conflicts (2 of 4 stars). 3 submissions from 3 submitters: Uncertain significance (3). Last evaluated 2024-01-01.

Conditions:
Hereditary sensory and autonomic neuropathy type 6. Also called: HSAN VI; Neuropathy, hereditary sensory and autonomic, type VI. Identifiers: Orphanet 314381, MedGen C3539003, MONDO:0013839, OMIM 614653.
Epidermolysis bullosa simplex 3, localized or generalized intermediate, with BP230 deficiency (EBS3). Also called: Epidermolysis bullosa simplex due to BP230 deficiency; Epidermolysis bullosa simplex, autosomal recessive 2. Identifiers: Orphanet 412181, MedGen C3809470, MONDO:0014180, OMIM 615425.

Allele frequency attached by ClinVar (database versions not stated): ExAC 0.00002; gnomAD exomes 0.00002 and 0.00003.
gnomAD v4.1: 32 of 1,613,538 alleles (0.002%); highest among the groups gnomAD compares: Non-Finnish European, 0.0025%; no homozygotes.

Submissions (3):

CeGaT Center for Human Genetics Tuebingen
Classification: Uncertain significance. Last evaluated: 2024-01-01. Review status: criteria provided, single submitter. Criteria: CeGaT Center For Human Genetics Tuebingen Variant Classification Criteria Version 2. Collection method: clinical testing. Allele origin: germline. Affected: yes. Observed: 1 variant allele.
Comment: DST: PM2, BP1

Labcorp Genetics (formerly Invitae), Labcorp
Classification: Uncertain significance for Epidermolysis bullosa simplex 3, localized or generalized intermediate, with BP230 deficiency; Hereditary sensory and autonomic neuropathy type 6. Last evaluated: 2021-12-15. Review status: criteria provided, single submitter. Criteria: Invitae Variant Classification Sherloc (09022015). Collection method: clinical testing. Allele origin: germline.
Comment: The DST gene has multiple clinically relevant transcripts. This variant occurs in alternate transcript NM_015548.4, and corresponds to NM_001723.5:c.*108810G>A in the primary transcript. This sequence change replaces glycine, which is neutral and non-polar, with glutamic acid, which is acidic and polar, at codon 3818 of the DST protein (p.Gly3818Glu). This variant is present in population databases (rs768907971, gnomAD 0.005%). This variant has not been reported in the literature in individuals affected with DST-related conditions. Experimental studies and prediction algorithms are not available or were not evaluated, and the functional significance of this variant is currently unknown. In summary, the available evidence is currently insufficient to determine the role of this variant in disease. Therefore, it has been classified as a Variant of Uncertain Significance.

GeneDx
Classification: Uncertain significance. Last evaluated: 2021-04-09. Review status: criteria provided, single submitter. Criteria: GeneDx Variant Classification Process June 2021. Collection method: clinical testing. Allele origin: germline. Affected: yes.
Comment: In silico analysis supports that this missense variant has a deleterious effect on protein structure/function; Has not been previously published as pathogenic or benign to our knowledge

NM_001374736.1(DST):c.19322G>A (p.Gly6441Glu)

Gene: DST (dystonin; minus strand). Cytogenetic location: 6p12.1.
Variant type: single nucleotide variant.
Coding change: c.19322G>A on transcript NM_001374736.1 (MANE Select); coding-DNA position 19322, G replaced by A.
Protein change: p.Gly6441Glu; replaces glycine 6441 with glutamic acid.
Molecular consequence: missense variant.
Genome position (GRCh38, 1-based): chr6:56,506,707, C>T on the plus strand (G>A on the coding strand, the complement: DST is on the minus strand). VCF-style: chr6-56506707-C-T. GRCh37 (hg19) VCF-style: chr6-56371505-C-T.
Other names: c.12965G>A, p.Gly4322Glu (NM_001144769.5); c.12551G>A, p.Gly4184Glu (NM_001144770.2); c.19322G>A, p.Gly6441Glu (NM_001374722.1); c.18362G>A, p.Gly6121Glu (NM_001374729.1); c.12104G>A, p.Gly4035Glu (NM_001374730.1); c.19349G>A, p.Gly6450Glu (NM_001374734.1); c.12431G>A, p.Gly4144Glu (NM_001386100.1, NM_183380.4); c.11453G>A, p.Gly3818Glu (NM_015548.5); short protein forms G3818E, G4035E, G4144E, G4184E, G4322E, G6121E, G6441E, G6450E.
Identifiers: ClinVar variation 1314315 (VCV001314315.26), dbSNP rs768907971, ClinGen allele CA3867034.